The following continues an entry in ClinVar:

NM_000080.4(CHRNE):c.1327del

ClinVar aggregate classification (germline): Pathogenic. Pathogenic (24).

Submissions 14 to 30 of 30:

CeGaT Center for Human Genetics Tuebingen
Classification: Pathogenic. Last evaluated: 2020-10-01. Review status: criteria provided, single submitter. Criteria: CeGaT Center For Human Genetics Tuebingen Variant Classification Criteria Version 2. Collection method: clinical testing. Allele origin: germline. Affected: yes. Observed: 8 variant alleles.

Genomic Research Center, Shahid Beheshti University of Medical Sciences
Classification: Pathogenic for Congenital myasthenic syndrome 4B. Last evaluated: 2020-05-03. Review status: criteria provided, single submitter. Criteria: ACMG Guidelines, 2015. Collection method: clinical testing. Allele origin: unknown. Affected: yes.

Institute of Human Genetics Munich, TUM University Hospital
Classification: Pathogenic for Congenital myasthenic syndrome 4C. Last evaluated: 2017-10-25. Review status: criteria provided, single submitter. Criteria: Classification criteria August 2017. Collection method: clinical testing. Allele origin: germline. Inheritance: Autosomal recessive inheritance. Affected: yes. Observed: 2 variant alleles.

Baylor Genetics
Classification: Pathogenic for Congenital myasthenic syndrome 4C. Last evaluated: 2017-09-01. Review status: criteria provided, single submitter. Criteria: ACMG Guidelines, 2015. Collection method: clinical testing. Allele origin: germline. Inheritance: Autosomal unknown. Affected: yes.
Comment: This mutation has been previously reported as disease-causing and was found twice in our laboratory in a homozygous state in individuals with myasthenia.

Athena Diagnostics
Classification: Pathogenic. Last evaluated: 2016-12-30. Review status: criteria provided, single submitter. Criteria: Athena Diagnostics Criteria. Collection method: clinical testing. Allele origin: germline.

Clinical Genetics Service, Universitary Hospital 12 de Octubre
Classification: Pathogenic for Congenital myasthenic syndrome 4C. Review status: criteria provided, single submitter. Criteria: ACMG Guidelines, 2015. Collection method: clinical testing. Allele origin: germline. Affected: yes.

Kasturba Medical College, Manipal, Kasturba Medical College, Manipal, Manipal Academy of Higher Education, Manipal, India
Classification: Pathogenic for Congenital myasthenic syndrome 4C. Review status: criteria provided, single submitter. Criteria: ACMG Guidelines, 2015. Collection method: clinical testing. Allele origin: biparental. Affected: yes.

Neuberg Centre For Genomic Medicine, NCGM
Classification: Pathogenic for Myasthenic syndrome, congenital, 1A, slow-channel. Review status: criteria provided, single submitter. Criteria: ACMG Guidelines, 2015. Collection method: clinical testing. Allele origin: germline. Inheritance: Autosomal recessive inheritance. Affected: yes.
Comment: The frameshift variant c.1327del (p.Glu443LysfsTer64) in CHRNE gene has been reported to segregate with autosomal recessive congenital myasthenic syndrome (CMS) in many families (Natera-de Benito D et.al.,2016). It is a common cause of autosomal recessive CMS in several populations, and has been reported to be a founder mutation in the Roma population (Hantaï D et.al.,2004).This variant has been reported to the ClinVar database as Pathogenic. The p.Glu443LysfsTer64 variant is reported with the allele frequency 0.01276% in gnomAD exomes and novel in 1000 Genomes. This variant causes a frameshift starting with codon Glutamic Acid 443, changes this amino acid to Lysine residue, and creates a premature Stop codon at position 64 of the new reading frame, denoted p.Glu443LysfsTer64. This variant is predicted to cause loss of normal protein function. Loss of function variants have been previously reported to be disease causing. For these reasons, this variant has been classified as Pathogenic

Neuberg Centre For Genomic Medicine, NCGM
Classification: Pathogenic for Congenital myasthenic syndrome 4A. Review status: criteria provided, single submitter. Criteria: ACMG Guidelines, 2015. Collection method: clinical testing. Allele origin: germline. Inheritance: Autosomal recessive inheritance. Affected: yes.
Comment: The frameshift variant c.1327del(p.Glu443LysfsTer64) in CHRNE gene has been observed in individual(s) with autosomal recessive congenital myasthenic syndrome (Natera-de Benito D et.al.,2016). Experimental studies have shown that this frameshift affects CHRNE function (Yang Y et.al.,2014). This variant has been reported to the ClinVar database as Pathogenic. The p.Glu443LysfsTer64 variant is reported with allele frequency of 0.01% in gnomAD exomes and novel in 1000 Genomes. This variant causes a frameshift starting with codon Glutamic Acid 443, changes this amino acid to Lysine residue, and creates a premature Stop codon at position 64 of the new reading frame, denoted p.Glu443LysfsTer64. This variant is predicted to cause loss of normal protein function. Loss of function variants have been previously reported to be disease causing. For these reasons, this variant has been classified as Pathogenic.

Neuberg Centre For Genomic Medicine, NCGM
Classification: Pathogenic for Congenital myasthenic syndrome 4C. Review status: criteria provided, single submitter. Criteria: ACMG Guidelines, 2015. Collection method: clinical testing. Allele origin: germline. Inheritance: Autosomal recessive inheritance. Affected: yes.
Comment: The frame shift c.1327del (p.Glu443LysfsTer64) variant in CHRNE gene has been reported previously in homozygous state associated with congenital myasthenia syndrome. This variant has been reported to segregate with autosomal recessive congenital myasthenic syndrome (CMS) in many families. This variant is predicted to cause loss of normal protein function, as the last 51 amino acids are lost and replaced with 63 incorrect amino acids (Croxen, R et al, Natera-de Benito, D et al.). This variant is reported with the allele frequency 0.01% in the gnomAD and novel in 1000 genome database. This variant has been reported to the ClinVar database as Pathogenic. This variant causes a frameshift starting with codon Glutamic Acid 443, changes this amino acid to Lysine residue, and creates a premature Stop codon at position 64 of the new reading frame, denoted p.Glu443LysfsTer64. This variant is predicted to cause loss of normal protein function through protein truncation. Loss of function variants have been previously reported to be disease causing. For these reasons, this variant has been classified as Pathogenic.

Suma Genomics
Classification: Pathogenic for Congenital myasthenic syndrome 4A; Congenital myasthenic syndrome 4B; Congenital myasthenic syndrome 4C. Review status: criteria provided, single submitter. Criteria: ACMG Guidelines, 2015. Collection method: clinical testing. Allele origin: inherited. Inheritance: Autosomal recessive inheritance. Affected: yes.

Zotz-Klimas Genetics Lab, MVZ Zotz Klimas
Classification: Pathogenic for Congenital myasthenic syndrome 4A. Last evaluated: 2023-10-30. Review status: no assertion criteria provided. Collection method: clinical testing. Allele origin: germline. Affected: yes. Not counted in ClinVar's aggregate classification.

Revvity Omics, Revvity
Classification: Pathogenic. Last evaluated: 2020-12-11. Review status: no assertion criteria provided. Collection method: clinical testing. Allele origin: germline. Not counted in ClinVar's aggregate classification.

OMIM
Classification: Pathogenic for MYASTHENIC SYNDROME, CONGENITAL, 4C, ASSOCIATED WITH ACETYLCHOLINE RECEPTOR DEFICIENCY. Last evaluated: 2004-10-01. Review status: no assertion criteria provided. Collection method: literature only. Allele origin: germline. Not counted in ClinVar's aggregate classification.

Clinical Genetics DNA and cytogenetics Diagnostics Lab, Erasmus MC, Erasmus Medical Center
Classification: Pathogenic. Review status: no assertion criteria provided. Collection method: clinical testing. Allele origin: germline. Affected: yes. Study: VKGL Data-share Consensus. Not counted in ClinVar's aggregate classification.

GeneReviews
No classification provided. Condition: Congenital myasthenic syndrome. Review status: no classification provided. Collection method: literature only. Allele origin: germline. Affected: yes. Not counted in ClinVar's aggregate classification.
Comment: Variant of a regulatory element (N-box) in the AChRε promoter region resulting in reduced gene expression.

Genome Diagnostics Laboratory, Amsterdam University Medical Center
Classification: Pathogenic. Review status: no assertion criteria provided. Collection method: clinical testing. Allele origin: germline. Affected: yes. Study: VKGL Data-share Consensus. Not counted in ClinVar's aggregate classification.

Literature cited by the submitters: PubMed 37721175 (cited by Natera, Inc.); PubMed 9668239 (cited by 4 submitters); PubMed 10496269 (cited by Labcorp Genetics (formerly Invitae), Labcorp and OMIM); PubMed 10514102 (cited by 4 submitters); PubMed 10534268 (cited by 4 submitters); PubMed 27634344 (cited by Labcorp Genetics (formerly Invitae), Labcorp and Athena Diagnostics); PubMed 15322984 (cited by 4 submitters); PubMed 15367858 (cited by Labcorp Genetics (formerly Invitae), Labcorp and OMIM); PubMed 25326635 (cited by Baylor Genetics); DOI 10.1111/ene.14033 (cited by Kasturba Medical College, Manipal, Kasturba Medical College, Manipal, Manipal Academy of Higher Education, Manipal, India); PubMed 9097970 (cited by OMIM); NCBI Bookshelf NBK1168 (cited by GeneReviews).